The following is an entry in ClinVar:

NM_004360.5(CDH1):c.865G>A (p.Ala289Thr)

Gene: CDH1 (cadherin 1; plus strand). Cytogenetic location: 16q22.1.
Variant type: single nucleotide variant.
Coding change: c.865G>A on transcript NM_004360.5 (MANE Select); coding-DNA position 865, G replaced by A.
Protein change: p.Ala289Thr; replaces alanine 289 with threonine.
Molecular consequence: missense variant. On other transcripts: 5 prime UTR variant (2).
Genome position (GRCh38, 1-based): chr16:68,811,716, G>A. VCF-style: chr16-68811716-G-A. GRCh37 (hg19) VCF-style: chr16-68845619-G-A.
Other names: c.865G>A, p.Ala289Thr (NM_001317184.2); c.-751G>A (NM_001317185.2); c.-955G>A (NM_001317186.2); c.865G>A (LRG_301t1); short protein forms A289T.
Identifiers: ClinVar variation 532469 (VCV000532469.21), dbSNP rs1255556757, ClinGen allele CA396459602.
Genomic context (GRCh38, chr16:68,811,716, plus strand): 5'-AAACCTTCATCTCCTTGAACTCTTCCAGGAACCTCTGTGATGGAGGTCACAGCCACAGAC[G>A]CGGACGATGATGTGAACACCTACAATGCCGCCATCGCTTACACCATCCTCAGCCAAGATC-3'
Protein context (NP_004351.1, residues 279-299): TSVMEVTATD[Ala289Thr]DDDVNTYNAA

ClinVar aggregate classification (germline): Conflicting classifications of pathogenicity. Review status: criteria provided, conflicting classifications (1 of 4 stars). 6 submissions from 6 submitters: Uncertain significance (5); Likely benign (1). Last evaluated 2025-10-25.

Conditions:
Hereditary diffuse gastric adenocarcinoma (HDGC). Also called: DIFFUSE GASTRIC AND LOBULAR BREAST CANCER SYNDROME. Identifiers: Orphanet 26106, MedGen C1708349, MONDO:0007648, OMIM 137215.
Hereditary cancer-predisposing syndrome. Also called: Neoplastic Syndromes, Hereditary; Hereditary neoplastic syndrome; Tumor predisposition; Hereditary Cancer Syndrome. Identifiers: Orphanet 140162, MedGen C0027672, MeSH D009386, MONDO:0015356.
Familial cancer of breast. Also called: BREAST CANCER, FAMILIAL; hereditary breast carcinoma; Hereditary breast cancer. Identifiers: Orphanet 227535, MedGen C0346153, MONDO:0016419, OMIM 114480. Disease mechanism: loss of function.

Allele frequency attached by ClinVar (database versions not stated): gnomAD exomes below 0.00001 and 0.00001.
gnomAD v4.1: 14 of 1,614,048 alleles (0.00087%); highest among the groups gnomAD compares: Non-Finnish European, 0.0011%; no homozygotes.

Submissions (6):

Labcorp Genetics (formerly Invitae), Labcorp
Classification: Uncertain significance for Hereditary diffuse gastric adenocarcinoma. Last evaluated: 2025-10-25. Review status: criteria provided, single submitter. Criteria: Invitae Variant Classification Sherloc (09022015). Collection method: clinical testing. Allele origin: germline.
Comment: This sequence change replaces alanine, which is neutral and non-polar, with threonine, which is neutral and polar, at codon 289 of the CDH1 protein (p.Ala289Thr). This variant is present in population databases (no rsID available, gnomAD 0.0009%). This missense change has been observed in individual(s) with breast cancer and pancreatic cancer (PMID: 31871109, 35171259). ClinVar contains an entry for this variant (Variation ID: 532469). An algorithm developed to predict the effect of missense changes on protein structure and function (PolyPhen-2) suggests that this variant is likely to be disruptive. In summary, the available evidence is currently insufficient to determine the role of this variant in disease. Therefore, it has been classified as a Variant of Uncertain Significance.

Ambry Genetics
Classification: Likely benign for Hereditary cancer-predisposing syndrome. Last evaluated: 2023-12-18. Review status: criteria provided, single submitter. Criteria: Ambry Variant Classification Scheme 2023. Collection method: clinical testing. Allele origin: germline.

Baylor Genetics
Classification: Uncertain significance for Familial cancer of breast. Last evaluated: 2023-07-14. Review status: criteria provided, single submitter. Criteria: ACMG Guidelines, 2015. Collection method: clinical testing. Allele origin: unknown.

GeneDx
Classification: Uncertain significance. Last evaluated: 2023-05-10. Review status: criteria provided, single submitter. Criteria: GeneDx Variant Classification Process June 2021. Collection method: clinical testing. Allele origin: germline. Affected: yes.
Comment: Not observed at significant frequency in large population cohorts (gnomAD); In silico analysis supports that this missense variant does not alter protein structure/function; Observed in a breast cancer case-control study, but it's not clear whether the variant was identified in case(s) or control(s) (Adedokun et al., 2020); This variant is associated with the following publications: (PMID: 15235021, 22850631, 31871109)

Color Diagnostics, LLC DBA Color Health
Classification: Uncertain significance for Hereditary cancer-predisposing syndrome. Last evaluated: 2023-02-07. Review status: criteria provided, single submitter. Criteria: ACMG Guidelines, 2015. Collection method: clinical testing. Allele origin: germline.
Comment: This missense variant replaces alanine with threonine at codon 289 of the CDH1 protein. To our knowledge, functional studies have not been reported for this variant. This variant has been reported in an individual affected with breast cancer in the literature (PMID: 31871109). This variant has been identified in 1/251464 chromosomes in the general population by the Genome Aggregation Database (gnomAD). The available evidence is insufficient to determine the role of this variant in disease conclusively. Therefore, this variant is classified as a Variant of Uncertain Significance.

Quest Diagnostics Nichols Institute San Juan Capistrano
Classification: Uncertain significance. Last evaluated: 2017-11-20. Review status: criteria provided, single submitter. Criteria: Quest Diagnostics criteria. Collection method: clinical testing. Allele origin: germline.

Literature cited by the submitters: PubMed 31871109 (cited by Labcorp Genetics (formerly Invitae), Labcorp and Color Diagnostics, LLC DBA Color Health); PubMed 35171259 (cited by Labcorp Genetics (formerly Invitae), Labcorp).